The following is an entry in ClinVar:

NM_138713.4(NFAT5):c.2332A>G (p.Asn778Asp)

Gene: NFAT5 (nuclear factor of activated T cells 5; plus strand). Cytogenetic location: 16q22.1.
Variant type: single nucleotide variant.
Coding change: c.2332A>G on transcript NM_138713.4 (MANE Select); coding-DNA position 2332, A replaced by G.
Protein change: p.Asn778Asp; replaces asparagine 778 with aspartic acid.
Molecular consequence: missense variant.
Genome position (GRCh38, 1-based): chr16:69,692,157, A>G. VCF-style: chr16-69692157-A-G. GRCh37 (hg19) VCF-style: chr16-69726060-A-G.
Other names: c.2050A>G, p.Asn684Asp (NM_173215.3, NM_138714.4, NM_173214.3); c.2332A>G (NM_138713.3); c.2332A>G, p.Asn778Asp (LRG_1332t1); c.2329A>G, p.Asn777Asp (NM_001113178.3); c.1657A>G, p.Asn553Asp (NM_001367709.1); c.2278A>G, p.Asn760Asp (NM_006599.4); short protein forms N684D, N778D, N553D, N760D, N777D.
Identifiers: ClinVar variation 656421 (VCV000656421.10), dbSNP rs202102702, ClinGen allele CA8135750.

ClinVar aggregate classification (germline): Uncertain significance. Review status: criteria provided, multiple submitters, no conflicts (2 of 4 stars). 2 submissions from 2 submitters: Uncertain significance (2). Last evaluated 2025-10-23.

Conditions:
Immunodeficiency. Identifiers: MedGen C0021051, MONDO:0021094, HP:0002721.

Allele frequency attached by ClinVar (database versions not stated): TOPMed 0.00014; ESP Exome Variant Server 0.00015; gnomAD 0.00016.

Submissions (2):

Labcorp Genetics (formerly Invitae), Labcorp
Classification: Uncertain significance for Immunodeficiency. Last evaluated: 2025-10-23. Review status: criteria provided, single submitter. Criteria: Invitae Variant Classification Sherloc (09022015). Collection method: clinical testing. Allele origin: germline.
Comment: This sequence change replaces asparagine, which is neutral and polar, with aspartic acid, which is acidic and polar, at codon 684 of the NFAT5 protein (p.Asn684Asp). This variant is present in population databases (rs202102702, gnomAD 0.03%). This variant has not been reported in the literature in individuals affected with NFAT5-related conditions. ClinVar contains an entry for this variant (Variation ID: 656421). An algorithm developed to predict the effect of missense changes on protein structure and function (PolyPhen-2) suggests that this variant is likely to be tolerated. In summary, the available evidence is currently insufficient to determine the role of this variant in disease. Therefore, it has been classified as a Variant of Uncertain Significance.

Ambry Genetics
Classification: Uncertain significance. Last evaluated: 2024-08-28. Review status: criteria provided, single submitter. Criteria: Ambry Variant Classification Scheme 2023. Collection method: clinical testing. Allele origin: germline.